The following is an entry in ClinVar:

NM_178859.4(SLC51B):c.370C>T (p.Pro124Ser)

Genes: RASL12 (RAS like family 12; minus strand), SLC51B (SLC51 subunit beta; plus strand). Cytogenetic location: 15q22.31.
Variant type: single nucleotide variant.
Coding change: c.370C>T on transcript NM_178859.4 (MANE Select); coding-DNA position 370, C replaced by T.
Protein change: p.Pro124Ser; replaces proline 124 with serine.
Molecular consequence: missense variant.
Genome position (GRCh38, 1-based): chr15:65,053,147, C>T. VCF-style: chr15-65053147-C-T. GRCh37 (hg19) VCF-style: chr15-65345485-C-T.
Other names: short protein forms P124S.
Identifiers: ClinVar variation 2026908 (VCV002026908.4), dbSNP rs1248502752, ClinGen allele CA392842982.
Genomic context (GRCh38, chr15:65,053,147, plus strand): 5'-GCCCAGGTGGAACTTGAGTTAAAAGAGAGAGATGTGCTGTCAGTTTTCCTTCCGGATGTA[C>T]CAGAAACTGAGAGCTAGTGAGGGTTCAGAGAAGCCCCATCCTAAGCCAGACACATGATGT-3'
Protein context (NP_849190.2, residues 114-128): DVLSVFLPDV[Pro124Ser]ETES

ClinVar aggregate classification (germline): Uncertain significance (1 of 4 stars; one submission).

Submission:

Labcorp Genetics (formerly Invitae), Labcorp
Classification: Uncertain significance. Last evaluated: 2024-06-25. Review status: criteria provided, single submitter. Criteria: Invitae Variant Classification Sherloc (09022015). Collection method: clinical testing. Allele origin: germline.
Comment: This sequence change replaces proline, which is neutral and non-polar, with serine, which is neutral and polar, at codon 124 of the SLC51B protein (p.Pro124Ser). This variant is not present in population databases (gnomAD no frequency). This variant has not been reported in the literature in individuals affected with SLC51B-related conditions. ClinVar contains an entry for this variant (Variation ID: 2026908). Algorithms developed to predict the effect of missense changes on protein structure and function output the following: SIFT: "Not Available"; PolyPhen-2: "Benign"; Align-GVGD: "Not Available". The serine amino acid residue is found in multiple mammalian species, which suggests that this missense change does not adversely affect protein function. In summary, the available evidence is currently insufficient to determine the role of this variant in disease. Therefore, it has been classified as a Variant of Uncertain Significance.